The following is an entry in ClinVar:

NM_001375567.1(FOCAD):c.1003C>A (p.Leu335Ile)

Gene: FOCAD (focadhesin; plus strand). Cytogenetic location: 9p21.3.
Variant type: single nucleotide variant.
Coding change: c.1003C>A on transcript NM_001375567.1 (MANE Select); coding-DNA position 1003, C replaced by A.
Protein change: p.Leu335Ile; replaces leucine 335 with isoleucine.
Molecular consequence: missense variant.
Genome position (GRCh38, 1-based): chr9:20,781,735, C>A. VCF-style: chr9-20781735-C-A. GRCh37 (hg19) VCF-style: chr9-20781734-C-A.
Other names: c.1003C>A, p.Leu335Ile (NM_001375568.1, NM_017794.5); c.898C>A, p.Leu300Ile (NM_001375570.1); c.1003C>A (NM_017794.3); short protein forms L300I, L335I.
Identifiers: ClinVar variation 3055131 (VCV003055131.3), dbSNP rs752676826, ClinGen allele CA5006587.

ClinVar aggregate classification (germline): Uncertain significance. Review status: criteria provided, single submitter (1 of 4 stars). 2 submissions from 2 submitters: Uncertain significance (1). 1 of the submissions does not count toward it. Last evaluated 2025-07-14.

Conditions:
Inborn genetic diseases. Identifiers: MedGen C0950123, MeSH D030342.
FOCAD-related disorder. Also called: FOCAD-related condition.

Allele frequency attached by ClinVar (database versions not stated): ExAC 0.00001; gnomAD 0.00004; TOPMed 0.00006.
gnomAD v4.1: 139 of 1,613,076 alleles (0.0086%); highest among the groups gnomAD compares: Non-Finnish European, 0.012%; no homozygotes.

Submissions (2):

Ambry Genetics
Classification: Uncertain significance for Inborn genetic diseases. Last evaluated: 2025-07-14. Review status: criteria provided, single submitter. Criteria: Ambry Variant Classification Scheme 2023. Collection method: clinical testing. Allele origin: germline.

PreventionGenetics, part of Exact Sciences
Classification: Uncertain significance for FOCAD-related condition. Last evaluated: 2024-02-28. Review status: no assertion criteria provided. Collection method: clinical testing. Allele origin: germline. Not counted in ClinVar's aggregate classification.
Comment: The FOCAD c.1003C>A variant is predicted to result in the amino acid substitution p.Leu335Ile. To our knowledge, this variant has not been reported in the literature. This variant is reported in 0.0062% of alleles in individuals of European (Non-Finnish) descent in gnomAD. At this time, the clinical significance of this variant is uncertain due to the absence of conclusive functional and genetic evidence.